The following is an entry in ClinVar:

NM_003640.5(ELP1):c.2054G>A (p.Gly685Glu)

Gene: ELP1 (elongator acetyltransferase complex subunit 1; minus strand). Cytogenetic location: 9q31.3.
Variant type: single nucleotide variant.
Coding change: c.2054G>A on transcript NM_003640.5 (MANE Select); coding-DNA position 2054, G replaced by A.
Protein change: p.Gly685Glu; replaces glycine 685 with glutamic acid.
Molecular consequence: missense variant.
Genome position (GRCh38, 1-based): chr9:108,900,336, C>T on the plus strand (G>A on the coding strand, the complement: ELP1 is on the minus strand). VCF-style: chr9-108900336-C-T. GRCh37 (hg19) VCF-style: chr9-111662616-C-T.
Other names: c.1712G>A, p.Gly571Glu (NM_001318360.2); c.1007G>A, p.Gly336Glu (NM_001330749.2); short protein forms G336E, G571E, G685E.
Identifiers: ClinVar variation 1699552 (VCV001699552.2), dbSNP rs2131988688, ClinGen allele CA374423493.
Genomic context (GRCh38, chr9:108,900,336, plus strand): 5'-GTGTCCTGGGGCACAACAGTGACAATCCGTGAACCCCTCTCCACTTTCCGCAGAACTTCC[C>T]CATGGGACACATGATTGCTGCTCAGGCCGGCCTGTAATGCTAAACACACCATTAACTAAT-3'
Protein context (NP_003631.2, residues 675-695): AGLSSNHVSH[Gly685Glu]EVLRKVERGS

ClinVar aggregate classification (germline): Uncertain significance (1 of 4 stars; one submission).

Submission:

GeneDx
Classification: Uncertain significance. Last evaluated: 2022-02-01. Review status: criteria provided, single submitter. Criteria: GeneDx Variant Classification Process June 2021. Collection method: clinical testing. Allele origin: germline. Affected: yes.
Comment: Not observed at significant frequency in large population cohorts (gnomAD); In silico analysis supports that this missense variant does not alter protein structure/function; Has not been previously published as pathogenic or benign to our knowledge